The following is an entry in ClinVar:

ClinVar aggregate classification (germline): Uncertain significance (1 of 4 stars; one submission).

Conditions:
Emery-Dreifuss muscular dystrophy 5, autosomal dominant (EDMD5). Also called: EMERY-DREIFUSS MUSCULAR DYSTROPHY 5. Identifiers: Orphanet 261, MedGen C2751805, MONDO:0013072, OMIM 612999.

Allele frequency attached by ClinVar (database versions not stated): gnomAD 0.00001.
gnomAD v4.1: 1 of 1,613,782 alleles (0.000062%); highest among the groups gnomAD compares: Admixed American, 0.0017%; no homozygotes.

Submission:

Labcorp Genetics (formerly Invitae), Labcorp
Classification: Uncertain significance for Emery-Dreifuss muscular dystrophy 5, autosomal dominant. Last evaluated: 2022-07-19. Review status: criteria provided, single submitter. Criteria: Invitae Variant Classification Sherloc (09022015). Collection method: clinical testing. Allele origin: germline.
Comment: This sequence change replaces lysine, which is basic and polar, with arginine, which is basic and polar, at codon 2676 of the SYNE2 protein (p.Lys2676Arg). This variant is not present in population databases (gnomAD no frequency). This variant has not been reported in the literature in individuals affected with SYNE2-related conditions. ClinVar contains an entry for this variant (Variation ID: 1389080). Algorithms developed to predict the effect of missense changes on protein structure and function output the following: SIFT: "Tolerated"; PolyPhen-2: "Benign"; Align-GVGD: "Class C0". The arginine amino acid residue is found in multiple mammalian species, which suggests that this missense change does not adversely affect protein function. In summary, the available evidence is currently insufficient to determine the role of this variant in disease. Therefore, it has been classified as a Variant of Uncertain Significance.

NM_182914.3(SYNE2):c.8027A>G (p.Lys2676Arg)

Gene: SYNE2 (spectrin repeat containing nuclear envelope protein 2; plus strand). Cytogenetic location: 14q23.2.
Variant type: single nucleotide variant.
Coding change: c.8027A>G on transcript NM_182914.3 (MANE Select); coding-DNA position 8027, A replaced by G.
Protein change: p.Lys2676Arg; replaces lysine 2676 with arginine.
Molecular consequence: missense variant.
Genome position (GRCh38, 1-based): chr14:64,051,940, A>G. VCF-style: chr14-64051940-A-G. GRCh37 (hg19) VCF-style: chr14-64518658-A-G.
Other names: c.8027A>G, p.Lys2676Arg (NM_015180.6); short protein forms K2676R.
Identifiers: ClinVar variation 1389080 (VCV001389080.8), dbSNP rs2097230580, ClinGen allele CA389963844.
Genomic context (GRCh38, chr14:64,051,940, plus strand): 5'-CAGAAGAACGGGCAGGGAACCAAAGCATGATTGCCTTGACCACTGACCTCCAGGCTACCA[A>G]GCATGGATTTTCTGTTTTAAAGGGGCAAGCTGAACTTCAGATGAAGAGGATTTGGGGAGA-3'
Protein context (NP_878918.2, residues 2666-2686): IALTTDLQAT[Lys2676Arg]HGFSVLKGQA